The following is an entry in ClinVar:

NM_000511.6(FUT2):c.604C>T (p.Arg202Ter)

Genes: FUT2 (fucosyltransferase 2 (H blood group); plus strand), LOC105447645 (uncharacterized LOC105447645; minus strand). Cytogenetic location: 19q13.33.
Variant type: single nucleotide variant.
Coding change: c.604C>T on transcript NM_000511.6 (MANE Select); coding-DNA position 604, C replaced by T.
Protein change: p.Arg202Ter; replaces arginine 202 with a stop codon.
Molecular consequence: nonsense. On other transcripts: non-coding transcript variant (1).
Genome position (GRCh38, 1-based): chr19:48,703,560, C>T. VCF-style: chr19-48703560-C-T. GRCh37 (hg19) VCF-style: chr19-49206817-C-T.
Other names: c.604C>T, p.Arg202Ter (NM_001097638.3); short protein forms R202*.
Identifiers: ClinVar variation 225366 (VCV000225366.4), dbSNP rs1800028, ClinGen allele CA9556294.

ClinVar aggregate classification (germline): Conflicting classifications of pathogenicity. Review status: criteria provided, conflicting classifications (1 of 4 stars). 4 submissions from 4 submitters: Pathogenic (1); Uncertain significance (1). 2 of the submissions do not count toward it. Last evaluated 2023-03-06.

Conditions:
VITAMIN B12 PLASMA LEVEL QUANTITATIVE TRAIT LOCUS 1 (B12QTL1). Identifiers: MedGen C2674252, OMIM 612542.
Bombay phenotype. Identifiers: MedGen C1859408, OMIM 616754, MONDO:0014763.
Type 2 diabetes mellitus. Also called: Type II diabetes mellitus. Identifiers: MedGen C0011860, MeSH D003924, MONDO:0005148, OMIM 125853, HP:0005978.
Familial Otitis Media.

Allele frequency attached by ClinVar (database versions not stated): gnomAD exomes 0.00018 and 0.00056; ESP Exome Variant Server 0.00023; ExAC 0.00056; gnomAD 0.00057; TOPMed 0.00063; 1000 Genomes Project 30x 0.00078; 1000 Genomes Project 0.00080.

Submissions (4):

Department of Pathology and Laboratory Medicine, Sinai Health System
Classification: Uncertain significance for Bombay phenotype. Last evaluated: 2023-03-06. Review status: criteria provided, single submitter. Criteria: ACMG Guidelines, 2015. Collection method: research. Allele origin: germline.

Soonchunhyang University Bucheon Hospital, Soonchunhyang University Medical Center
Classification: Pathogenic for VITAMIN B12 PLASMA LEVEL QUANTITATIVE TRAIT LOCUS 1. Last evaluated: 2016-03-18. Review status: criteria provided, single submitter. Criteria: ACMG Guidelines, 2015. Collection method: reference population. Allele origin: germline. Observed: 2 variant alleles.

Gene Friend Way, National Innovation Center
Classification: Uncertain significance for Type 2 diabetes mellitus. Last evaluated: 2025-01-01. Review status: no assertion criteria provided. Collection method: clinical testing. Allele origin: unknown. Affected: yes. Observed: 1 variant allele. Not counted in ClinVar's aggregate classification.
Comment: The FUT2 gene has been linked to susc eptibility to type 1 diabetes (PMID: 22025780). Recent genetic studies indicate that FUT2 region variants co-localize with metabolic and glycemic traits (PMID: 40961947), suggesting a potential link between FUT2 and T2D. Evidence for the role of this variant is insufficient, thus it is classified as uncertain significance.

University of Washington Center for Mendelian Genomics, University of Washington
Classification: confers sensitivity for Familial Otitis Media. Review status: no assertion criteria provided. Collection method: research. Allele origin: unknown. Affected: yes. Not counted in ClinVar's aggregate classification.

Literature cited by the submitters: PubMed 8755920 (cited by Soonchunhyang University Bucheon Hospital, Soonchunhyang University Medical Center); PubMed 8928486 (cited by Soonchunhyang University Bucheon Hospital, Soonchunhyang University Medical Center); PubMed 22025780 (cited by Gene Friend Way, National Innovation Center); PubMed 40961947 (cited by Gene Friend Way, National Innovation Center); PubMed 30401457 (cited by University of Washington Center for Mendelian Genomics, University of Washington).